The following is an entry in ClinVar:

NM_006389.5(HYOU1):c.1456C>T (p.Arg486Cys)

Gene: HYOU1 (hypoxia up-regulated 1; minus strand). Cytogenetic location: 11q23.3.
Variant type: single nucleotide variant.
Coding change: c.1456C>T on transcript NM_006389.5 (MANE Select); coding-DNA position 1456, C replaced by T.
Protein change: p.Arg486Cys; replaces arginine 486 with cysteine.
Molecular consequence: missense variant.
Genome position (GRCh38, 1-based): chr11:119,051,508, G>A on the plus strand (C>T on the coding strand, the complement: HYOU1 is on the minus strand). VCF-style: chr11-119051508-G-A. GRCh37 (hg19) VCF-style: chr11-118922220-G-A.
Other names: c.1456C>T, p.Arg486Cys (NM_001130991.3, NM_001411041.1); short protein forms R486C.
Identifiers: ClinVar variation 3716201 (VCV003716201.2).

ClinVar aggregate classification (germline): Uncertain significance (1 of 4 stars; one submission).

gnomAD v4.1: 15 of 1,614,158 alleles (0.00093%); highest among the groups gnomAD compares: East Asian, 0.0022%; no homozygotes.

Submission:

Labcorp Genetics (formerly Invitae), Labcorp
Classification: Uncertain significance. Last evaluated: 2024-07-15. Review status: criteria provided, single submitter. Criteria: Invitae Variant Classification Sherloc (09022015). Collection method: clinical testing. Allele origin: germline.
Comment: This sequence change replaces arginine, which is basic and polar, with cysteine, which is neutral and slightly polar, at codon 486 of the HYOU1 protein (p.Arg486Cys). This variant is not present in population databases (gnomAD no frequency). This missense change has been observed in individual(s) with HYOU1-related conditions (PMID: 35549617). An algorithm developed to predict the effect of missense changes on protein structure and function (PolyPhen-2) suggests that this variant is likely to be disruptive. In summary, the available evidence is currently insufficient to determine the role of this variant in disease. Therefore, it has been classified as a Variant of Uncertain Significance.

Literature cited by the submitters: PubMed 35549617.